The following is an entry in ClinVar:

NM_001099922.3(ALG13):c.486T>C (p.Phe162=)

Gene: ALG13 (ALG13 UDP-N-acetylglucosaminyltransferase subunit; plus strand). Cytogenetic location: Xq23.
Variant type: single nucleotide variant.
Coding change: c.486T>C on transcript NM_001099922.3 (MANE Select); coding-DNA position 486, T replaced by C.
Protein change: p.Phe162=; no amino-acid change (phenylalanine 162 retained).
Molecular consequence: synonymous variant. On other transcripts: non-coding transcript variant (1).
Genome position (GRCh38, 1-based): chrX:111,708,129, T>C. VCF-style: chrX-111708129-T-C. GRCh37 (hg19) VCF-style: chrX-110951357-T-C.
Other names: c.174T>C, p.Phe58= (NM_001257230.2, NM_001257234.2, NM_001257237.2 and 1 more transcripts); c.252T>C, p.Phe84= (NM_001257231.2); c.486T>C, p.Phe162= (NM_001324292.2).
Identifiers: ClinVar variation 385135 (VCV000385135.28), dbSNP rs751015058, ClinGen allele CA10493543.

ClinVar aggregate classification (germline): Benign/Likely benign. Review status: criteria provided, multiple submitters, no conflicts (2 of 4 stars). 3 submissions from 3 submitters: Benign (1); Likely benign (2). Last evaluated 2025-09-18.

Conditions:
Developmental and epileptic encephalopathy, 36 (DEE36). Also called: Epileptic encephalopathy, early infantile, 36; Congenital disorder of glycosylation, type Is; ALG13-CDG. Identifiers: Orphanet 324422, MedGen C4317295, MONDO:0010472, OMIM 300884.

Allele frequency attached by ClinVar (database versions not stated): gnomAD 0.00001; gnomAD exomes 0.00001 and 0.00002; TOPMed 0.00001; ExAC 0.00004.
gnomAD v4.1: 13 of 1,210,032 alleles (0.0011%); highest among the groups gnomAD compares: South Asian, 0.0035%; no homozygotes.

Submissions (3):

Labcorp Genetics (formerly Invitae), Labcorp
Classification: Benign for Developmental and epileptic encephalopathy, 36. Last evaluated: 2025-09-18. Review status: criteria provided, single submitter. Criteria: Invitae Variant Classification Sherloc (09022015). Collection method: clinical testing. Allele origin: germline.

CeGaT Center for Human Genetics Tuebingen
Classification: Likely benign. Last evaluated: 2023-01-01. Review status: criteria provided, single submitter. Criteria: CeGaT Center For Human Genetics Tuebingen Variant Classification Criteria Version 2. Collection method: clinical testing. Allele origin: germline. Affected: yes. Observed: 1 variant allele.
Comment: ALG13: BP4, BP7, BS2

GeneDx
Classification: Likely benign. Last evaluated: 2016-04-04. Review status: criteria provided, single submitter. Criteria: GeneDx Variant Classification (06012015). Collection method: clinical testing. Allele origin: germline. Affected: yes.
Comment: This variant is considered likely benign or benign based on one or more of the following criteria: it is a conservative change, it occurs at a poorly conserved position in the protein, it is predicted to be benign by multiple in silico algorithms, and/or has population frequency not consistent with disease.